The following is an entry in ClinVar:

NM_001029896.2(WDR45):c.487G>T (p.Gly163Ter)

Gene: WDR45 (WD repeat domain 45; minus strand). Cytogenetic location: Xp11.23.
Variant type: single nucleotide variant.
Coding change: c.487G>T on transcript NM_001029896.2 (MANE Select); coding-DNA position 487, G replaced by T.
Protein change: p.Gly163Ter; replaces glycine 163 with a stop codon.
Molecular consequence: nonsense.
Genome position (GRCh38, 1-based): chrX:49,075,895, C>A on the plus strand (G>T on the coding strand, the complement: WDR45 is on the minus strand). VCF-style: chrX-49075895-C-A. GRCh37 (hg19) VCF-style: chrX-48933554-C-A.
Other names: c.490G>T, p.Gly164Ter (NM_007075.4); short protein forms G164*, G163*.
Identifiers: ClinVar variation 504345 (VCV000504345.2), dbSNP rs1557084127, ClinGen allele CA412945251.

ClinVar aggregate classification (germline): Likely pathogenic (1 of 4 stars; one submission).

Submission:

GeneDx
Classification: Likely pathogenic. Last evaluated: 2018-02-19. Review status: criteria provided, single submitter. Criteria: GeneDx Variant Classification (06012015). Collection method: clinical testing. Allele origin: germline. Affected: yes.
Comment: The G164X variant in the WDR45 gene has not been reported previously as a pathogenic variant nor as a benign variant, to our knowledge. This variant is predicted to cause loss of normal protein function either through protein truncation or nonsense-mediated mRNA decay. The G164X variant is not observed in large population cohorts (Lek et al., 2016). We interpret G164X as a likely pathogenic variant,